The following is an entry in ClinVar:

NM_007194.4(CHEK2):c.151C>G (p.Gln51Glu)

Gene: CHEK2 (checkpoint kinase 2; minus strand). Cytogenetic location: 22q12.1.
Variant type: single nucleotide variant.
Coding change: c.151C>G on transcript NM_007194.4 (MANE Select); coding-DNA position 151, C replaced by G.
Protein change: p.Gln51Glu; replaces glutamine 51 with glutamic acid.
Molecular consequence: missense variant.
Genome position (GRCh38, 1-based): chr22:28,734,571, G>C on the plus strand (C>G on the coding strand, the complement: CHEK2 is on the minus strand). VCF-style: chr22-28734571-G-C. GRCh37 (hg19) VCF-style: chr22-29130559-G-C.
Other names: c.151C>G, p.Gln51Glu (NM_001005735.3, NM_001349956.3, NM_145862.3); c.-627C>G (NM_001257387.3); short protein forms Q51E.
Identifiers: ClinVar variation 1022260 (VCV001022260.12), dbSNP rs587781592, ClinGen allele CA411091011.

ClinVar aggregate classification (germline): Uncertain significance. Review status: criteria provided, multiple submitters, no conflicts (2 of 4 stars). 2 submissions from 2 submitters: Uncertain significance (2). Last evaluated 2024-03-02.

Conditions:
Familial cancer of breast. Also called: Hereditary breast cancer; BREAST CANCER, FAMILIAL; hereditary breast carcinoma. Identifiers: Orphanet 227535, MedGen C0346153, MONDO:0016419, OMIM 114480. Disease mechanism: loss of function.
Hereditary cancer-predisposing syndrome. Also called: Hereditary Cancer Syndrome; Neoplastic Syndromes, Hereditary; Tumor predisposition; Hereditary neoplastic syndrome. Identifiers: Orphanet 140162, MedGen C0027672, MeSH D009386, MONDO:0015356.

gnomAD v4.1: 1 of 1,613,960 alleles (0.000062%); highest among the groups gnomAD compares: Non-Finnish European, 0.000085%; no homozygotes.

Submissions (2):

Ambry Genetics
Classification: Uncertain significance for Hereditary cancer-predisposing syndrome. Last evaluated: 2024-03-02. Review status: criteria provided, single submitter. Criteria: Ambry Variant Classification Scheme 2023. Collection method: clinical testing. Allele origin: germline.
Comment: The p.Q51E variant (also known as c.151C>G), located in coding exon 1 of the CHEK2 gene, results from a C to G substitution at nucleotide position 151. The glutamine at codon 51 is replaced by glutamic acid, an amino acid with highly similar properties. This amino acid position is highly conserved in available vertebrate species. In addition, the in silico prediction for this alteration is inconclusive. Since supporting evidence is limited at this time, the clinical significance of this alteration remains unclear.

Labcorp Genetics (formerly Invitae), Labcorp
Classification: Uncertain significance for Familial cancer of breast. Last evaluated: 2021-05-06. Review status: criteria provided, single submitter. Criteria: Invitae Variant Classification Sherloc (09022015). Collection method: clinical testing. Allele origin: germline.
Comment: In summary, the available evidence is currently insufficient to determine the role of this variant in disease. Therefore, it has been classified as a Variant of Uncertain Significance. Algorithms developed to predict the effect of missense changes on protein structure and function are either unavailable or do not agree on the potential impact of this missense change (SIFT: "Deleterious"; PolyPhen-2: "Possibly Damaging"; Align-GVGD: "Class C0"). This variant has not been reported in the literature in individuals with CHEK2-related conditions. This variant is not present in population databases (ExAC no frequency). This sequence change replaces glutamine with glutamic acid at codon 51 of the CHEK2 protein (p.Gln51Glu). The glutamine residue is moderately conserved and there is a small physicochemical difference between glutamine and glutamic acid.